The following is an entry in ClinVar:

ClinVar aggregate classification (germline): Uncertain significance. Review status: criteria provided, multiple submitters, no conflicts (2 of 4 stars). 2 submissions from 2 submitters: Uncertain significance (2). Last evaluated 2025-09-24.

Conditions:
Inborn genetic diseases. Identifiers: MedGen C0950123, MeSH D030342.
Congenital myasthenic syndrome 12 (CMS12). Also called: MYASTHENIC SYNDROME, CONGENITAL, WITH TUBULAR AGGREGATES 1; Myasthenia, congenital, 12, with tubular aggregates. Identifiers: Orphanet 353327, Orphanet 590, MedGen C3552335, MONDO:0012518, OMIM 610542.

Allele frequency attached by ClinVar (database versions not stated): gnomAD exomes 0.00002 and 0.00003; ExAC 0.00003; gnomAD 0.00007 and 0.00008; TOPMed 0.00019; 1000 Genomes Project 0.00020; 1000 Genomes Project 30x 0.00031.
gnomAD v4.1: 53 of 1,613,940 alleles (0.0033%); highest among the groups gnomAD compares: Admixed American, 0.013%; no homozygotes.

Submissions (2):

Labcorp Genetics (formerly Invitae), Labcorp
Classification: Uncertain significance for Congenital myasthenic syndrome 12. Last evaluated: 2025-09-24. Review status: criteria provided, single submitter. Criteria: Invitae Variant Classification Sherloc (09022015). Collection method: clinical testing. Allele origin: germline.
Comment: This sequence change replaces glutamic acid, which is acidic and polar, with lysine, which is basic and polar, at codon 269 of the GFPT1 protein (p.Glu269Lys). This variant is present in population databases (rs536572222, gnomAD 0.006%). This variant has not been reported in the literature in individuals affected with GFPT1-related conditions. ClinVar contains an entry for this variant (Variation ID: 969856). An algorithm developed to predict the effect of missense changes on protein structure and function (PolyPhen-2) suggests that this variant is likely to be tolerated. In summary, the available evidence is currently insufficient to determine the role of this variant in disease. Therefore, it has been classified as a Variant of Uncertain Significance.

Ambry Genetics
Classification: Uncertain significance for Inborn genetic diseases. Last evaluated: 2024-05-15. Review status: criteria provided, single submitter. Criteria: Ambry Variant Classification Scheme 2023. Collection method: clinical testing. Allele origin: germline.

NM_001244710.2(GFPT1):c.805G>A (p.Glu269Lys)

Gene: GFPT1 (glutamine--fructose-6-phosphate transaminase 1; minus strand). Cytogenetic location: 2p13.3.
Variant type: single nucleotide variant.
Coding change: c.805G>A on transcript NM_001244710.2 (MANE Select); coding-DNA position 805, G replaced by A.
Protein change: p.Glu269Lys; replaces glutamic acid 269 with lysine.
Molecular consequence: missense variant.
Genome position (GRCh38, 1-based): chr2:69,350,118, C>T on the plus strand (G>A on the coding strand, the complement: GFPT1 is on the minus strand). VCF-style: chr2-69350118-C-T. GRCh37 (hg19) VCF-style: chr2-69577250-C-T.
Other names: c.751G>A (NM_002056.3); c.751G>A, p.Glu251Lys (NM_002056.4); short protein forms E251K, E269K.
Identifiers: ClinVar variation 969856 (VCV000969856.5), dbSNP rs536572222, ClinGen allele CA1693767.